The following is an entry in ClinVar:

ClinVar aggregate classification (germline): Uncertain significance. Review status: criteria provided, multiple submitters, no conflicts (2 of 4 stars). 2 submissions from 2 submitters: Uncertain significance (2). Last evaluated 2024-03-20.

Conditions:
C1 inhibitor deficiency. Identifiers: MedGen C1852700, MONDO:0007361, OMIM 120790.
Hereditary angioedema type 1 (HAE1). Identifiers: Orphanet 100050, Orphanet 100051, Orphanet 91378, MedGen C2717906, MONDO:0015053, OMIM 106100.

Allele frequency attached by ClinVar (database versions not stated): gnomAD exomes 0.00001; ExAC 0.00002.
gnomAD v4.1: 17 of 1,614,192 alleles (0.0011%); highest among the groups gnomAD compares: South Asian, 0.013%; no homozygotes.

Submissions (2):

Fulgent Genetics
Classification: Uncertain significance for Hereditary angioedema type 1; C1 inhibitor deficiency. Last evaluated: 2024-03-20. Review status: criteria provided, single submitter. Criteria: ACMG Guidelines, 2015. Collection method: clinical testing. Allele origin: germline.

Labcorp Genetics (formerly Invitae), Labcorp
Classification: Uncertain significance. Last evaluated: 2022-10-05. Review status: criteria provided, single submitter. Criteria: Invitae Variant Classification Sherloc (09022015). Collection method: clinical testing. Allele origin: germline.
Comment: This sequence change replaces lysine, which is basic and polar, with arginine, which is basic and polar, at codon 52 of the SERPING1 protein (p.Lys52Arg). This variant is present in population databases (rs766862937, gnomAD 0.01%). This variant has not been reported in the literature in individuals affected with SERPING1-related conditions. Advanced modeling of protein sequence and biophysical properties (such as structural, functional, and spatial information, amino acid conservation, physicochemical variation, residue mobility, and thermodynamic stability) performed at Invitae indicates that this missense variant is not expected to disrupt SERPING1 protein function. In summary, the available evidence is currently insufficient to determine the role of this variant in disease. Therefore, it has been classified as a Variant of Uncertain Significance.

NM_000062.3(SERPING1):c.155A>G (p.Lys52Arg)

Gene: SERPING1 (serpin family G member 1; plus strand). Cytogenetic location: 11q12.1.
Variant type: single nucleotide variant.
Coding change: c.155A>G on transcript NM_000062.3 (MANE Select); coding-DNA position 155, A replaced by G.
Protein change: p.Lys52Arg; replaces lysine 52 with arginine.
Molecular consequence: missense variant.
Genome position (GRCh38, 1-based): chr11:57,599,982, A>G. VCF-style: chr11-57599982-A-G. GRCh37 (hg19) VCF-style: chr11-57367455-A-G.
Other names: c.155A>G, p.Lys52Arg (NM_001032295.2); short protein forms K52R.
Identifiers: ClinVar variation 2414593 (VCV002414593.7), dbSNP rs766862937, ClinGen allele CA6007985.